The following is an entry in ClinVar:

NM_000051.4(ATM):c.4086C>T (p.Ser1362=)

Gene: ATM (ATM serine/threonine kinase; plus strand). Cytogenetic location: 11q22.3.
Variant type: single nucleotide variant.
Coding change: c.4086C>T on transcript NM_000051.4 (MANE Select); coding-DNA position 4086, C replaced by T.
Protein change: p.Ser1362=; no amino-acid change (serine 1362 retained).
Molecular consequence: synonymous variant.
Genome position (GRCh38, 1-based): chr11:108,287,692, C>T. VCF-style: chr11-108287692-C-T. GRCh37 (hg19) VCF-style: chr11-108158419-C-T.
Other names: c.4086C>T, p.Ser1362= (NM_001351834.2).
Identifiers: ClinVar variation 2642359 (VCV002642359.27), dbSNP rs2135737431, ClinGen allele CA476673606.

ClinVar aggregate classification (germline): Likely benign. Review status: criteria provided, multiple submitters, no conflicts (2 of 4 stars). 2 submissions from 2 submitters: Likely benign (2). Last evaluated 2024-02-01.

Conditions:
Ataxia-telangiectasia syndrome (AT). Also called: LOUIS-BAR SYNDROME; Cerebello-oculocutaneous telangiectasia; Immunodeficiency with ataxia telangiectasia; Ataxia-telangiectasia, complementation group D; AT, COMPLEMENTATION GROUP C; ATAXIA-TELANGIECTASIA, COMPLEMENTATION GROUP A. Identifiers: Orphanet 100, MedGen C0004135, MONDO:0008840, OMIM 208900.

Allele frequency attached by ClinVar (database versions not stated): gnomAD exomes below 0.00001.
gnomAD v4.1: 1 of 1,613,272 alleles (0.000062%); highest among the groups gnomAD compares: African/African-American, 0.0013%; no homozygotes.

Submissions (2):

Labcorp Genetics (formerly Invitae), Labcorp
Classification: Likely benign for Ataxia-telangiectasia syndrome. Last evaluated: 2024-02-01. Review status: criteria provided, single submitter. Criteria: Invitae Variant Classification Sherloc (09022015). Collection method: clinical testing. Allele origin: germline.

CeGaT Center for Human Genetics Tuebingen
Classification: Likely benign. Last evaluated: 2022-11-01. Review status: criteria provided, single submitter. Criteria: CeGaT Center For Human Genetics Tuebingen Variant Classification Criteria Version 2. Collection method: clinical testing. Allele origin: germline. Affected: yes. Observed: 1 variant allele.
Comment: ATM: PM2:Supporting, BP4, BP7